The following is an entry in ClinVar:

NM_033100.4(CDHR1):c.2459C>T (p.Pro820Leu)

Gene: CDHR1 (cadherin related family member 1; plus strand). Cytogenetic location: 10q23.1.
Variant type: single nucleotide variant.
Coding change: c.2459C>T on transcript NM_033100.4 (MANE Select); coding-DNA position 2459, C replaced by T.
Protein change: p.Pro820Leu; replaces proline 820 with leucine.
Molecular consequence: missense variant. On other transcripts: intron variant (1).
Genome position (GRCh38, 1-based): chr10:84,214,500, C>T. VCF-style: chr10-84214500-C-T. GRCh37 (hg19) VCF-style: chr10-85974256-C-T.
Other names: c.2040+1152C>T (NM_001171971.3); short protein forms P820L.
Identifiers: ClinVar variation 1715768 (VCV001715768.5), dbSNP rs545329607, ClinGen allele CA5580241.
Genomic context (GRCh38, chr10:84,214,500, plus strand): 5'-TGGCGCCCAGCACTGGCGCAGCCCAGTGGACCGTGCCTACTGTCTCTGGCTCTCTCACTC[C>T]GCAGCCGACCCAACCCCCGCCAAAACCCAAAACTATGGGAAGCCCCGTCCAGTCAACTCT-3'
Protein context (NP_149091.1, residues 810-830): TVPTVSGSLT[Pro820Leu]QPTQPPPKPK

ClinVar aggregate classification (germline): Uncertain significance (1 of 4 stars; one submission).

Allele frequency attached by ClinVar (database versions not stated): gnomAD exomes below 0.00001; gnomAD 0.00001.
gnomAD v4.1: 3 of 1,606,170 alleles (0.00019%); highest among the groups gnomAD compares: Admixed American, 0.0017%; no homozygotes.

Submission:

Labcorp Genetics (formerly Invitae), Labcorp
Classification: Uncertain significance. Last evaluated: 2022-08-08. Review status: criteria provided, single submitter. Criteria: Invitae Variant Classification Sherloc (09022015). Collection method: clinical testing. Allele origin: germline.
Comment: This sequence change replaces proline, which is neutral and non-polar, with leucine, which is neutral and non-polar, at codon 820 of the CDHR1 protein (p.Pro820Leu). The frequency data for this variant in the population databases is considered unreliable, as metrics indicate poor data quality at this position in the gnomAD database. This variant has not been reported in the literature in individuals affected with CDHR1-related conditions. Advanced modeling of protein sequence and biophysical properties (such as structural, functional, and spatial information, amino acid conservation, physicochemical variation, residue mobility, and thermodynamic stability) performed at Invitae indicates that this missense variant is not expected to disrupt CDHR1 protein function. In summary, the available evidence is currently insufficient to determine the role of this variant in disease. Therefore, it has been classified as a Variant of Uncertain Significance.